The following is an entry in ClinVar:

ClinVar aggregate classification (germline): Uncertain significance. Review status: criteria provided, multiple submitters, no conflicts (2 of 4 stars). 2 submissions from 2 submitters: Uncertain significance (2). Last evaluated 2025-05-05.

gnomAD v4.1: 1 of 1,613,900 alleles (0.000062%); highest among the groups gnomAD compares: Non-Finnish European, 0.000085%; no homozygotes.

Submissions (2):

Ambry Genetics
Classification: Uncertain significance. Last evaluated: 2025-05-05. Review status: criteria provided, single submitter. Criteria: Ambry Variant Classification Scheme 2023. Collection method: clinical testing. Allele origin: germline.

Labcorp Genetics (formerly Invitae), Labcorp
Classification: Uncertain significance. Last evaluated: 2025-02-03. Review status: criteria provided, single submitter. Criteria: Invitae Variant Classification Sherloc (09022015). Collection method: clinical testing. Allele origin: germline.
Comment: This sequence change replaces alanine, which is neutral and non-polar, with serine, which is neutral and polar, at codon 885 of the TOP2B protein (p.Ala885Ser). This variant is present in population databases (rs774601517, gnomAD 0.0009%). This variant has not been reported in the literature in individuals affected with TOP2B-related conditions. An algorithm developed to predict the effect of missense changes on protein structure and function (PolyPhen-2) suggests that this variant is likely to be tolerated. Algorithms developed to predict the effect of sequence changes on RNA splicing suggest that this variant may create or strengthen a splice site. In summary, the available evidence is currently insufficient to determine the role of this variant in disease. Therefore, it has been classified as a Variant of Uncertain Significance.

NM_001330700.2(TOP2B):c.2668G>T (p.Ala890Ser)

Gene: TOP2B (DNA topoisomerase II beta; minus strand). Cytogenetic location: 3p24.2.
Variant type: single nucleotide variant.
Coding change: c.2668G>T on transcript NM_001330700.2 (MANE Select); coding-DNA position 2668, G replaced by T.
Protein change: p.Ala890Ser; replaces alanine 890 with serine.
Molecular consequence: missense variant.
Genome position (GRCh38, 1-based): chr3:25,623,574, C>A on the plus strand (G>T on the coding strand, the complement: TOP2B is on the minus strand). VCF-style: chr3-25623574-C-A. GRCh37 (hg19) VCF-style: chr3-25665065-C-A.
Other names: c.2653G>T (NM_001068.2); c.2653G>T, p.Ala885Ser (NM_001068.3); short protein forms A885S, A890S.
Identifiers: ClinVar variation 3647344 (VCV003647344.3).